The following is an entry in ClinVar:

ClinVar aggregate classification (germline): Conflicting classifications of pathogenicity. Review status: criteria provided, conflicting classifications (1 of 4 stars). 9 submissions from 8 submitters: Uncertain significance (7); Benign (1). 1 of the submissions does not count toward it. Last evaluated 2024-10-22.

Conditions:
Nephronophthisis 4 (NPHP4). Also called: NEPHRONOPHTHISIS 4, JUVENILE. Identifiers: Orphanet 655, MedGen C1847013, MONDO:0011752, OMIM 606966.
Senior-Loken syndrome 4 (SLSN4). Identifiers: Orphanet 3156, MedGen C1846979, MONDO:0011756, OMIM 606996.
NPHP4-related disorder. Also called: NPHP4-related disorders; NPHP4-related condition. Identifiers: MedGen CN239384.
Nephronophthisis. Also called: Juvenile Nephronophthisis. Identifiers: Orphanet 655, MedGen C0687120, MONDO:0019005, HP:0000090.
Inborn genetic diseases. Identifiers: MedGen C0950123, MeSH D030342.

Allele frequency attached by ClinVar (database versions not stated): gnomAD 0.00003 and 0.00005; gnomAD exomes 0.00006 and 0.00018; TOPMed 0.00008; ExAC 0.00015; 1000 Genomes Project 30x 0.00016; 1000 Genomes Project 0.00020.
gnomAD v4.1: 118 of 1,612,416 alleles (0.0073%); highest among the groups gnomAD compares: East Asian, 0.11%; no homozygotes.

Submissions (9):

Blueprint Genetics
Classification: Benign. Last evaluated: 2024-10-22. Review status: criteria provided, single submitter. Criteria: ACMG Guidelines, 2015. Collection method: clinical testing. Allele origin: germline.

Ambry Genetics
Classification: Uncertain significance for Inborn genetic diseases. Last evaluated: 2024-01-17. Review status: criteria provided, single submitter. Criteria: Ambry Variant Classification Scheme 2023. Collection method: clinical testing. Allele origin: germline.

Labcorp Genetics (formerly Invitae), Labcorp
Classification: Uncertain significance for Nephronophthisis. Last evaluated: 2022-10-17. Review status: criteria provided, single submitter. Criteria: Invitae Variant Classification Sherloc (09022015). Collection method: clinical testing. Allele origin: germline.
Comment: This sequence change replaces arginine, which is basic and polar, with tryptophan, which is neutral and slightly polar, at codon 470 of the NPHP4 protein (p.Arg470Trp). This variant is present in population databases (rs367686843, gnomAD 0.2%). This variant has not been reported in the literature in individuals affected with NPHP4-related conditions. ClinVar contains an entry for this variant (Variation ID: 297821). Advanced modeling of protein sequence and biophysical properties (such as structural, functional, and spatial information, amino acid conservation, physicochemical variation, residue mobility, and thermodynamic stability) performed at Invitae indicates that this missense variant is expected to disrupt NPHP4 protein function. In summary, the available evidence is currently insufficient to determine the role of this variant in disease. Therefore, it has been classified as a Variant of Uncertain Significance.

Fulgent Genetics
Classification: Uncertain significance for Nephronophthisis 4; Senior-Loken syndrome 4. Last evaluated: 2022-03-09. Review status: criteria provided, single submitter. Criteria: ACMG Guidelines, 2015. Collection method: clinical testing. Allele origin: unknown.

Revvity Omics, Revvity
Classification: Uncertain significance. Last evaluated: 2022-01-20. Review status: criteria provided, single submitter. Criteria: ACMG Guidelines, 2015. Collection method: clinical testing. Allele origin: germline.

Illumina Laboratory Services, Illumina
Classification: Uncertain significance for Nephronophthisis 4. Last evaluated: 2018-01-13. Review status: criteria provided, single submitter. Criteria: ICSL Variant Classification Criteria 13 December 2019. Collection method: clinical testing. Allele origin: germline.

Illumina Laboratory Services, Illumina
Classification: Uncertain significance for Senior-Loken syndrome 4. Last evaluated: 2018-01-13. Review status: criteria provided, single submitter. Criteria: ICSL Variant Classification Criteria 13 December 2019. Collection method: clinical testing. Allele origin: germline.

Eurofins Ntd Llc (ga)
Classification: Uncertain significance. Last evaluated: 2017-09-12. Review status: criteria provided, single submitter. Criteria: EGL Classification Definitions 2015. Collection method: clinical testing. Allele origin: germline. Observed: 5 variant alleles, 5 heterozygotes.

PreventionGenetics, part of Exact Sciences
Classification: Likely benign for NPHP4-related condition. Last evaluated: 2023-11-13. Review status: no assertion criteria provided. Collection method: clinical testing. Allele origin: germline. Not counted in ClinVar's aggregate classification.
Comment: This variant is classified as likely benign based on ACMG/AMP sequence variant interpretation guidelines (Richards et al. 2015 PMID: 25741868, with internal and published modifications).

NM_015102.5(NPHP4):c.1408C>T (p.Arg470Trp)

Gene: NPHP4 (nephrocystin 4; minus strand). Cytogenetic location: 1p36.31.
Variant type: single nucleotide variant.
Coding change: c.1408C>T on transcript NM_015102.5 (MANE Select); coding-DNA position 1408, C replaced by T.
Protein change: p.Arg470Trp; replaces arginine 470 with tryptophan.
Molecular consequence: missense variant. On other transcripts: synonymous variant (2), non-coding transcript variant (1).
Genome position (GRCh38, 1-based): chr1:5,927,682, G>A on the plus strand (C>T on the coding strand, the complement: NPHP4 is on the minus strand). VCF-style: chr1-5927682-G-A. GRCh37 (hg19) VCF-style: chr1-5987742-G-A.
Other names: c.42C>T, p.Gly14= (NM_001291593.2, NM_001291594.2); c.1408C>T (NM_015102.4); short protein forms R470W.
Identifiers: ClinVar variation 297821 (VCV000297821.19), dbSNP rs367686843, ClinGen allele CA554528.